The following is an entry in ClinVar:

ClinVar aggregate classification (germline): Conflicting classifications of pathogenicity. Review status: criteria provided, conflicting classifications (1 of 4 stars). 7 submissions from 7 submitters: Uncertain significance (2); Likely benign (4). 1 of the submissions does not count toward it. Last evaluated 2026-08-18.

Conditions:
Inborn genetic diseases. Identifiers: MedGen C0950123, MeSH D030342.
TRPM1-related disorder. Also called: TRPM1-related condition.
Congenital stationary night blindness 1C. Also called: Night blindness, congenital stationary (complete), 1C, autosomal recessive. Identifiers: Orphanet 215, MedGen C2750747, MONDO:0013183, OMIM 613216.

Allele frequency attached by ClinVar (database versions not stated): gnomAD exomes 0.00011 and 0.00026; gnomAD 0.00094 and 0.00104; 1000 Genomes Project 30x 0.00016; ExAC 0.00033; TOPMed 0.00126; 1000 Genomes Project 0.00020; ESP Exome Variant Server 0.00164.

Submissions (7):

Ambry Genetics
Classification: Uncertain significance for Inborn genetic diseases. Last evaluated: 2026-08-18. Review status: criteria provided, single submitter. Criteria: Ambry Variant Classification Scheme 2023. Collection method: clinical testing. Allele origin: germline.

Labcorp Genetics (formerly Invitae), Labcorp
Classification: Likely benign. Last evaluated: 2025-11-21. Review status: criteria provided, single submitter. Criteria: Invitae Variant Classification Sherloc (09022015). Collection method: clinical testing. Allele origin: germline.

Blueprint Genetics
Classification: Likely benign. Last evaluated: 2024-10-18. Review status: criteria provided, single submitter. Criteria: ACMG Guidelines, 2015. Collection method: clinical testing. Allele origin: germline.

GeneDx
Classification: Uncertain significance. Last evaluated: 2024-10-15. Review status: criteria provided, single submitter. Criteria: GeneDx Variant Classification Process June 2021. Collection method: clinical testing. Allele origin: germline. Affected: yes.
Comment: In silico analysis supports that this missense variant has a deleterious effect on protein structure/function; Has not been previously published as pathogenic or benign to our knowledge

Illumina Laboratory Services, Illumina
Classification: Likely benign for Congenital stationary night blindness 1C. Last evaluated: 2018-01-13. Review status: criteria provided, single submitter. Criteria: ICSL Variant Classification Criteria 13 December 2019. Collection method: clinical testing. Allele origin: germline.
Comment: This variant was observed in the ICSL laboratory as part of a predisposition screen in an ostensibly healthy population. It had not been previously curated by ICSL or reported in the Human Gene Mutation Database (HGMD: prior to June 1st, 2018), and was therefore a candidate for classification through an automated scoring system. Utilizing variant allele frequency, disease prevalence and penetrance estimates, and inheritance mode, an automated score was calculated to assess if this variant is too frequent to cause the disease. Based on the score and internal cut-off values, a variant classified as likely benign is not then subjected to further curation. The score for this variant resulted in a classification of likely benign for this disease.

Breakthrough Genomics
Classification: Likely benign. Review status: criteria provided, single submitter. Criteria: ACMG Guidelines, 2015. Collection method: not provided. Allele origin: germline. Inheritance: Unknown mechanism. Affected: yes.

PreventionGenetics, part of Exact Sciences
Classification: Likely benign for TRPM1-related condition. Last evaluated: 2022-03-02. Review status: no assertion criteria provided. Collection method: clinical testing. Allele origin: germline. Not counted in ClinVar's aggregate classification.
Comment: This variant is classified as likely benign based on ACMG/AMP sequence variant interpretation guidelines (Richards et al. 2015 PMID: 25741868, with internal and published modifications).

NM_001252024.2(TRPM1):c.1255C>T (p.His419Tyr)

Gene: TRPM1 (transient receptor potential cation channel subfamily M member 1; minus strand). Cytogenetic location: 15q13.3.
Variant type: single nucleotide variant.
Coding change: c.1255C>T on transcript NM_001252024.2 (MANE Select); coding-DNA position 1255, C replaced by T.
Protein change: p.His419Tyr; replaces histidine 419 with tyrosine.
Molecular consequence: missense variant.
Genome position (GRCh38, 1-based): chr15:31,060,552, G>A on the plus strand (C>T on the coding strand, the complement: TRPM1 is on the minus strand). VCF-style: chr15-31060552-G-A. GRCh37 (hg19) VCF-style: chr15-31352755-G-A.
Other names: c.1189C>T (NM_002420.4); c.1306C>T, p.His436Tyr (NM_001252020.2); c.1189C>T, p.His397Tyr (NM_002420.6); c.1306C>T (NM_001252020.1); short protein forms H419Y, H397Y, H436Y.
Identifiers: ClinVar variation 884428 (VCV000884428.19), dbSNP rs201213623, ClinGen allele CA7452638.